The following is an entry in ClinVar:

ClinVar aggregate classification (germline): Uncertain significance. Review status: criteria provided, multiple submitters, no conflicts (2 of 4 stars). 2 submissions from 2 submitters: Uncertain significance (2). Last evaluated 2025-03-05.

Allele frequency attached by ClinVar (database versions not stated): gnomAD exomes below 0.00001 and 0.00002; TOPMed below 0.00001.
gnomAD v4.1: 30 of 1,606,648 alleles (0.0019%); highest among the groups gnomAD compares: Non-Finnish European, 0.0024%; no homozygotes.

Submissions (2):

Labcorp Genetics (formerly Invitae), Labcorp
Classification: Uncertain significance. Last evaluated: 2025-03-05. Review status: criteria provided, single submitter. Criteria: Invitae Variant Classification Sherloc (09022015). Collection method: clinical testing. Allele origin: germline.
Comment: This sequence change falls in intron 11 of the RECQL gene. It does not directly change the encoded amino acid sequence of the RECQL protein. This variant is present in population databases (no rsID available, gnomAD 0.0009%). This variant has not been reported in the literature in individuals affected with RECQL-related conditions. ClinVar contains an entry for this variant (Variation ID: 1181780). Algorithms developed to predict the effect of sequence changes on RNA splicing suggest that this variant may disrupt the consensus splice site. In summary, the available evidence is currently insufficient to determine the role of this variant in disease. Therefore, it has been classified as a Variant of Uncertain Significance.

GeneDx
Classification: Uncertain significance. Last evaluated: 2023-11-07. Review status: criteria provided, single submitter. Criteria: GeneDx Variant Classification Process June 2021. Collection method: clinical testing. Allele origin: germline. Affected: yes.
Comment: Not observed at significant frequency in large population cohorts (gnomAD); In silico analysis supports a deleterious effect on splicing; Has not been previously published as pathogenic or benign to our knowledge; Variants in candidate genes are classified as variants of uncertain significance in accordance with ACMG guidelines (PMID: 25741868)

NM_002907.4(RECQL):c.1356-12A>G

Gene: RECQL (RecQ like helicase; minus strand). Cytogenetic location: 12p12.1.
Variant type: single nucleotide variant.
Coding change: c.1356-12A>G on transcript NM_002907.4 (MANE Select); 12 bases into the intron before coding-DNA position 1356, A replaced by G.
Molecular consequence: intron variant.
Genome position (GRCh38, 1-based): chr12:21,473,654, T>C on the plus strand (A>G on the coding strand, the complement: RECQL is on the minus strand). VCF-style: chr12-21473654-T-C. GRCh37 (hg19) VCF-style: chr12-21626588-T-C.
Other names: c.1356-12A>G (NM_032941.3).
Identifiers: ClinVar variation 1181780 (VCV001181780.13), dbSNP rs1165950353, ClinGen allele CA603672085.